The following is an entry in ClinVar:

ClinVar aggregate classification (germline): Uncertain significance (1 of 4 stars; one submission).

Submission:

GeneDx
Classification: Uncertain significance. Last evaluated: 2025-01-23. Review status: criteria provided, single submitter. Criteria: GeneDx Variant Classification Process June 2021. Collection method: clinical testing. Allele origin: germline. Affected: yes.
Comment: Not observed at significant frequency in large population cohorts (gnomAD); In silico analysis indicates that this missense variant does not alter protein structure/function; Has not been previously published as pathogenic or benign to our knowledge

NM_000170.3(GLDC):c.2062C>T (p.His688Tyr)

Gene: GLDC (glycine decarboxylase; minus strand). Cytogenetic location: 9p24.1.
Variant type: single nucleotide variant.
Coding change: c.2062C>T on transcript NM_000170.3 (MANE Select); coding-DNA position 2062, C replaced by T.
Protein change: p.His688Tyr; replaces histidine 688 with tyrosine.
Molecular consequence: missense variant.
Genome position (GRCh38, 1-based): chr9:6,556,293, G>A on the plus strand (C>T on the coding strand, the complement: GLDC is on the minus strand). VCF-style: chr9-6556293-G-A. GRCh37 (hg19) VCF-style: chr9-6556293-G-A.
Other names: short protein forms H688Y.
Identifiers: ClinVar variation 4795474 (VCV004795474.1).